The following is an entry in ClinVar:

ClinVar aggregate classification (germline): Likely benign. Review status: criteria provided, multiple submitters, no conflicts (2 of 4 stars). 2 submissions from 2 submitters: Likely benign (2). Last evaluated 2026-07-01.

Conditions:
Episodic ataxia type 2 (EA2). Also called: ACETAZOLAMIDE-RESPONSIVE HEREDITARY PAROXYSMAL CEREBELLAR ATAXIA; ATAXIA, EPISODIC, WITH NYSTAGMUS; ATAXIA, FAMILIAL PAROXYSMAL; CEREBELLAR ATAXIA, PAROXYSMAL, ACETAZOLAMIDE-RESPONSIVE; CEREBELLOPATHY, HEREDITARY PAROXYSMAL; EPISODIC ATAXIA, NYSTAGMUS-ASSOCIATED. Identifiers: Orphanet 97, MedGen C1720416, MONDO:0007163, OMIM 108500.
Developmental and epileptic encephalopathy, 42 (DEE42A). Also called: DEVELOPMENTAL AND EPILEPTIC ENCEPHALOPATHY 42A; EPILEPTIC ENCEPHALOPATHY, EARLY INFANTILE, 42A; Epileptic encephalopathy, early infantile, 42. Identifiers: MedGen C4310716, MONDO:0014917, OMIM 617106.

Allele frequency attached by ClinVar (database versions not stated): TOPMed 0.00003; ExAC 0.00004; gnomAD 0.00004 and 0.00005.
gnomAD v4.1: 48 of 1,607,362 alleles (0.003%); highest among the groups gnomAD compares: South Asian, 0.029%; no homozygotes.

Submissions (2):

CeGaT Center for Human Genetics Tuebingen
Classification: Likely benign. Last evaluated: 2026-07-01. Review status: criteria provided, single submitter. Criteria: CeGaT Center For Human Genetics Tuebingen Variant Classification Criteria Version 2. Collection method: clinical testing. Allele origin: germline. Affected: yes. Observed: 3 variant alleles.
Comment: CACNA1A: BP4, BP7

Labcorp Genetics (formerly Invitae), Labcorp
Classification: Likely benign for Developmental and epileptic encephalopathy, 42; Episodic ataxia type 2. Last evaluated: 2024-12-17. Review status: criteria provided, single submitter. Criteria: Invitae Variant Classification Sherloc (09022015). Collection method: clinical testing. Allele origin: germline.

NM_001127222.2(CACNA1A):c.3120G>A (p.Ser1040=)

Gene: CACNA1A (calcium voltage-gated channel subunit alpha1 A; minus strand). Cytogenetic location: 19p13.13.
Variant type: single nucleotide variant.
Coding change: c.3120G>A on transcript NM_001127222.2 (MANE Select); coding-DNA position 3120, G replaced by A.
Protein change: p.Ser1040=; no amino-acid change (serine 1040 retained).
Molecular consequence: synonymous variant.
Genome position (GRCh38, 1-based): chr19:13,286,936, C>T on the plus strand (G>A on the coding strand, the complement: CACNA1A is on the minus strand). VCF-style: chr19-13286936-C-T. GRCh37 (hg19) VCF-style: chr19-13397750-C-T.
Other names: c.3132G>A, p.Ser1044= (NM_000068.4, NM_023035.3); c.3123G>A, p.Ser1041= (NM_001127221.2, NM_001174080.2).
Identifiers: ClinVar variation 1524821 (VCV001524821.20), dbSNP rs763969240, ClinGen allele CA9240406.